The following is an entry in ClinVar:

ClinVar aggregate classification (germline): Uncertain significance (1 of 4 stars; one submission).

Conditions:
Cardiac arrhythmia. Also called: Arrhythmia; Cardiac rhythm disease. Identifiers: MedGen C0003811, MONDO:0007263, HP:0011675.

Allele frequency attached by ClinVar (database versions not stated): gnomAD exomes below 0.00001; TOPMed below 0.00001.
gnomAD v4.1: 6 of 1,540,302 alleles (0.00039%); highest among the groups gnomAD compares: African/African-American, 0.0014%; no homozygotes.

Submission:

Color Diagnostics, LLC DBA Color Health
Classification: Uncertain significance for Cardiac arrhythmia. Last evaluated: 2024-04-24. Review status: criteria provided, single submitter. Criteria: ACMG Guidelines, 2015. Collection method: clinical testing. Allele origin: germline.
Comment: This missense variant replaces proline with serine at codon 935 of the KCNH2 protein. Computational prediction is inconclusive regarding the impact of this variant on protein structure and function (internally defined REVEL score threshold 0.5 < inconclusive < 0.7, PMID: 27666373). To our knowledge, functional studies have not been reported for this variant. This variant has not been reported in individuals affected with KCNH2-related disorders in the literature. This variant has not been identified in the general population by the Genome Aggregation Database (gnomAD). The available evidence is insufficient to determine the role of this variant in disease conclusively. Therefore, this variant is classified as a Variant of Uncertain Significance.

NM_000238.4(KCNH2):c.2803C>T (p.Pro935Ser)

Gene: KCNH2 (potassium voltage-gated channel subfamily H member 2; minus strand). Cytogenetic location: 7q36.1.
Variant type: single nucleotide variant.
Coding change: c.2803C>T on transcript NM_000238.4 (MANE Select); coding-DNA position 2803, C replaced by T.
Protein change: p.Pro935Ser; replaces proline 935 with serine.
Molecular consequence: missense variant.
Genome position (GRCh38, 1-based): chr7:150,947,768, G>A on the plus strand (C>T on the coding strand, the complement: KCNH2 is on the minus strand). VCF-style: chr7-150947768-G-A. GRCh37 (hg19) VCF-style: chr7-150644856-G-A.
Other names: c.2515C>T, p.Pro839Ser (NM_001406753.1); c.1783C>T, p.Pro595Ser (NM_172057.3); short protein forms P839S, P595S, P935S.
Identifiers: ClinVar variation 2773423 (VCV002773423.2), dbSNP rs1419849010, ClinGen allele CA369853370.